The following is an entry in ClinVar:

NM_001851.6(COL9A1):c.401_407dup (p.Ser137fs)

Gene: COL9A1 (collagen type IX alpha 1 chain; minus strand). Cytogenetic location: 6q13.
Variant type: Duplication.
Coding change: c.401_407dup on transcript NM_001851.6 (MANE Select); coding-DNA positions 401 to 407, 7 bases duplicated (AGGATTC; older notation c.401_407dupAGGATTC).
Protein change: p.Ser137fs; shifts the reading frame from serine 137.
Molecular consequence: frameshift variant.
Genome position (GRCh38, 1-based): chr6:70,294,456-70,294,462, GAATCCT duplicated on the plus strand (AGGATTC on the coding strand, the reverse complement: COL9A1 is on the minus strand); duplicating any 7 consecutive bases within chr6:70,294,456-70,294,467 gives the same sequence; the c. name uses the placement nearest the transcript's 3' end. VCF-style (leftmost placement, unchanged base first): chr6-70294455-G-GGAATCCT. GRCh37 (hg19) VCF-style: chr6-71004158-G-GGAATCCT.
Other names: c.401_407dup, p.Ser137fs (NM_001377291.1); short protein forms S137fs.
Identifiers: ClinVar variation 4734356 (VCV004734356.1).

ClinVar aggregate classification (germline): Pathogenic (1 of 4 stars; one submission).

Submission:

Labcorp Genetics (formerly Invitae), Labcorp
Classification: Pathogenic. Last evaluated: 2026-01-04. Review status: criteria provided, single submitter. Criteria: Invitae Variant Classification Sherloc (09022015). Collection method: clinical testing. Allele origin: germline.
Comment: This sequence change creates a premature translational stop signal (p.Ser137Glyfs*13) in the COL9A1 gene. It is expected to result in an absent or disrupted protein product. Loss-of-function variants in COL9A1 are known to be pathogenic (PMID: 16909383, 21421862). This variant is present in population databases (no rsID available, gnomAD 0.003%). This variant has not been reported in the literature in individuals affected with COL9A1-related conditions. For these reasons, this variant has been classified as Pathogenic.

Literature cited by the submitters: PubMed 16909383; PubMed 21421862.